The following is an entry in ClinVar:

NM_014946.4(SPAST):c.1246G>A (p.Val416Met)

Gene: SPAST (spastin; plus strand). Cytogenetic location: 2p22.3.
Variant type: single nucleotide variant.
Coding change: c.1246G>A on transcript NM_014946.4 (MANE Select); coding-DNA position 1246, G replaced by A.
Protein change: p.Val416Met; replaces valine 416 with methionine.
Molecular consequence: missense variant.
Genome position (GRCh38, 1-based): chr2:32,136,563, G>A. VCF-style: chr2-32136563-G-A. GRCh37 (hg19) VCF-style: chr2-32361632-G-A.
Other names: c.1243G>A, p.Val415Met (NM_001363823.2); c.1147G>A, p.Val383Met (NM_001363875.2); c.1150G>A, p.Val384Met (NM_001377959.1, NM_199436.2); short protein forms V384M, V416M, V383M, V415M.
Identifiers: ClinVar variation 1956151 (VCV001956151.6), dbSNP rs1041291307, ClinGen allele CA44749597.
Genomic context (GRCh38, chr2:32,136,563, plus strand): 5'-TTTAAAAAACTGGAATAATGTTGCATTTTATGTGTATAACAGTATAATGCTTTGTTTTAG[G>A]TGGGAGAAGGAGAGAAATTGGTGAGGGCTCTTTTTGCTGTGGCTCGAGAACTTCAACCTT-3'
Protein context (NP_055761.2, residues 406-426): ISAASLTSKY[Val416Met]GEGEKLVRAL

ClinVar aggregate classification (germline): Uncertain significance. Review status: criteria provided, multiple submitters, no conflicts (2 of 4 stars). 2 submissions from 2 submitters: Uncertain significance (2). Last evaluated 2025-08-31.

Conditions:
Inborn genetic diseases. Identifiers: MedGen C0950123, MeSH D030342.
Hereditary spastic paraplegia 4. Also called: Familial spastic paraplegia autosomal dominant 2; Spastic paraplegia 4, autosomal dominant; Spastic Paraplegia 4. Identifiers: Orphanet 100985, MedGen C1866855, MONDO:0008438, OMIM 182601.

Allele frequency attached by ClinVar (database versions not stated): gnomAD exomes below 0.00001.
gnomAD v4.1: 2 of 1,610,710 alleles (0.00012%); highest among the groups gnomAD compares: Non-Finnish European, 0.00017%; no homozygotes.

Submissions (2):

Ambry Genetics
Classification: Uncertain significance for Inborn genetic diseases. Last evaluated: 2025-08-31. Review status: criteria provided, single submitter. Criteria: Ambry Variant Classification Scheme 2023. Collection method: clinical testing. Allele origin: germline.

Labcorp Genetics (formerly Invitae), Labcorp
Classification: Uncertain significance for Hereditary spastic paraplegia 4. Last evaluated: 2022-10-20. Review status: criteria provided, single submitter. Criteria: Invitae Variant Classification Sherloc (09022015). Collection method: clinical testing. Allele origin: germline.
Comment: In summary, the available evidence is currently insufficient to determine the role of this variant in disease. Therefore, it has been classified as a Variant of Uncertain Significance. Algorithms developed to predict the effect of missense changes on protein structure and function are either unavailable or do not agree on the potential impact of this missense change (SIFT: "Deleterious"; PolyPhen-2: "Possibly Damaging"; Align-GVGD: "Class C0"). This variant has not been reported in the literature in individuals affected with SPAST-related conditions. This variant is not present in population databases (gnomAD no frequency). This sequence change replaces valine, which is neutral and non-polar, with methionine, which is neutral and non-polar, at codon 416 of the SPAST protein (p.Val416Met).